The following is an entry in ClinVar:

ClinVar aggregate classification (germline): Uncertain significance (1 of 4 stars; one submission).

Conditions:
Hereditary cancer-predisposing syndrome. Also called: Tumor predisposition; Hereditary Cancer Syndrome; Hereditary neoplastic syndrome; Neoplastic Syndromes, Hereditary. Identifiers: Orphanet 140162, MedGen C0027672, MeSH D009386, MONDO:0015356.

gnomAD v4.1: 1 of 1,614,200 alleles (0.000062%); highest among the groups gnomAD compares: Non-Finnish European, 0.000085%; no homozygotes.

Submission:

Ambry Genetics
Classification: Uncertain significance for Hereditary cancer-predisposing syndrome. Last evaluated: 2025-10-17. Review status: criteria provided, single submitter. Criteria: Ambry Variant Classification Scheme 2023. Collection method: clinical testing. Allele origin: germline.
Comment: The p.L148V variant (also known as c.442T>G), located in coding exon 3 of the XRCC2 gene, results from a T to G substitution at nucleotide position 442. The leucine at codon 148 is replaced by valine, an amino acid with highly similar properties. This amino acid position is conserved. In addition, this alteration is predicted to be tolerated by in silico analysis. Based on the available evidence, the clinical significance of this variant remains unclear.

NM_005431.2(XRCC2):c.442T>G (p.Leu148Val)

Gene: XRCC2 (X-ray repair cross complementing 2; minus strand). Cytogenetic location: 7q36.1.
Variant type: single nucleotide variant.
Coding change: c.442T>G on transcript NM_005431.2 (MANE Select); coding-DNA position 442, T replaced by G.
Protein change: p.Leu148Val; replaces leucine 148 with valine.
Molecular consequence: missense variant.
Genome position (GRCh38, 1-based): chr7:152,649,043, A>C on the plus strand (T>G on the coding strand, the complement: XRCC2 is on the minus strand). VCF-style: chr7-152649043-A-C. GRCh37 (hg19) VCF-style: chr7-152346128-A-C.
Other names: short protein forms L148V.
Identifiers: ClinVar variation 4558507 (VCV004558507.1).
Genomic context (GRCh38, chr7:152,649,043, plus strand): 5'-AGTTCACACTTTCTCCTCCATTGACGCGGTCTATCCAGTAAAAAGCTGACAGGCTATCCA[A>C]AATCAAAAGGCAGAGAGATGGGTGACTACAAAACATACTTTCTAGTGAGTAAAGTGTAAG-3'
Protein context (NP_005422.1, residues 138-158): CSHPSLCLLI[Leu148Val]DSLSAFYWID